The following is an entry in ClinVar:

NM_001029883.3(PCARE):c.1449C>G (p.Asp483Glu)

Gene: PCARE (photoreceptor cilium actin regulator; minus strand). Cytogenetic location: 2p23.2.
Variant type: single nucleotide variant.
Coding change: c.1449C>G on transcript NM_001029883.3 (MANE Select); coding-DNA position 1449, C replaced by G.
Protein change: p.Asp483Glu; replaces aspartic acid 483 with glutamic acid.
Molecular consequence: missense variant.
Genome position (GRCh38, 1-based): chr2:29,072,813, G>C on the plus strand (C>G on the coding strand, the complement: PCARE is on the minus strand). VCF-style: chr2-29072813-G-C. GRCh37 (hg19) VCF-style: chr2-29295679-G-C.
Other names: short protein forms D483E.
Identifiers: ClinVar variation 1476626 (VCV001476626.6), dbSNP rs763691703, ClinGen allele CA1592420.

ClinVar aggregate classification (germline): Uncertain significance (1 of 4 stars; one submission).

Allele frequency attached by ClinVar (database versions not stated): gnomAD exomes below 0.00001; TOPMed below 0.00001; ExAC 0.00001; gnomAD 0.00001.
gnomAD v4.1: 1 of 1,614,022 alleles (0.000062%); highest among the groups gnomAD compares: African/African-American, 0.0013%; no homozygotes.

Submission:

Labcorp Genetics (formerly Invitae), Labcorp
Classification: Uncertain significance. Last evaluated: 2021-09-20. Review status: criteria provided, single submitter. Criteria: Invitae Variant Classification Sherloc (09022015). Collection method: clinical testing. Allele origin: germline.
Comment: This sequence change replaces aspartic acid with glutamic acid at codon 483 of the PCARE protein (p.Asp483Glu). The aspartic acid residue is moderately conserved and there is a small physicochemical difference between aspartic acid and glutamic acid. This variant is present in population databases (rs763691703, ExAC 0.01%). This variant has not been reported in the literature in individuals affected with PCARE-related conditions. Algorithms developed to predict the effect of missense changes on protein structure and function output the following: SIFT: "Tolerated"; PolyPhen-2: "Benign"; Align-GVGD: "Class C0". The glutamic acid amino acid residue is found in multiple mammalian species, which suggests that this missense change does not adversely affect protein function. In summary, the available evidence is currently insufficient to determine the role of this variant in disease. Therefore, it has been classified as a Variant of Uncertain Significance.